The following is an entry in ClinVar:

ClinVar aggregate classification (germline): Likely benign (0 of 4 stars; one submission).

Conditions:
LRIG1-related disorder. Also called: LRIG1-related condition.

Allele frequency attached by ClinVar (database versions not stated): gnomAD 0.00111; ExAC 0.00115; 1000 Genomes Project 0.00120; TOPMed 0.00136; 1000 Genomes Project 30x 0.00141; ESP Exome Variant Server 0.00185.
gnomAD v4.1: 2,612 of 1,610,466 alleles (0.16%); highest among the groups gnomAD compares: Non-Finnish European, 0.2%; 4 homozygotes.

Submission:

PreventionGenetics, part of Exact Sciences
Classification: Likely benign for LRIG1-related condition. Last evaluated: 2019-03-27. Review status: no assertion criteria provided. Collection method: clinical testing. Allele origin: germline.
Comment: This variant is classified as likely benign based on ACMG/AMP sequence variant interpretation guidelines (Richards et al. 2015 PMID: 25741868, with internal and published modifications).

NM_015541.3(LRIG1):c.2175C>T (p.Thr725=)

Gene: LRIG1 (leucine rich repeats and immunoglobulin like domains 1; minus strand). Cytogenetic location: 3p14.1.
Variant type: single nucleotide variant.
Coding change: c.2175C>T on transcript NM_015541.3 (MANE Select); coding-DNA position 2175, C replaced by T.
Protein change: p.Thr725=; no amino-acid change (threonine 725 retained).
Molecular consequence: synonymous variant.
Genome position (GRCh38, 1-based): chr3:66,383,298, G>A on the plus strand (C>T on the coding strand, the complement: LRIG1 is on the minus strand). VCF-style: chr3-66383298-G-A. GRCh37 (hg19) VCF-style: chr3-66433722-G-A.
Other names: c.2100C>T, p.Thr700= (NM_001377344.1); c.1395C>T, p.Thr465= (NM_001377345.1, NM_001377346.1); c.1173C>T, p.Thr391= (NM_001377347.1); c.1146C>T, p.Thr382= (NM_001377348.1); c.891C>T, p.Thr297= (NM_001377349.1).
Identifiers: ClinVar variation 3033643 (VCV003033643.2), dbSNP rs78198874, ClinGen allele CA2484460.
Genomic context (GRCh38, chr3:66,383,298, plus strand): 5'-GTTGTCAGGGGTCAAGTGGTGCCGCTCAGTGAGGCTCAGCGGGCGGTCCCCCTTGAACCA[G>A]GTGATGCGGGGCGGAGGGTTCCCCGTGGCTTTGCATTGGAGGGCCACTGTTTCTCCCACA-3'
Protein context (NP_056356.2, residues 715-735): KATGNPPPRI[Thr725=]WFKGDRPLSL